The following is an entry in ClinVar:

ClinVar aggregate classification (germline): Uncertain significance. Review status: criteria provided, multiple submitters, no conflicts (2 of 4 stars). 2 submissions from 2 submitters: Uncertain significance (2). Last evaluated 2021-07-15.

Conditions:
Autosomal recessive nonsyndromic hearing loss 49. Also called: Deafness, neurosensory, autosomal recessive 49. Identifiers: Orphanet 90636, MedGen C1857811, MONDO:0012420, OMIM 610153.

Allele frequency attached by ClinVar (database versions not stated): gnomAD exomes below 0.00001; TOPMed 0.00001; gnomAD 0.00002.

Submissions (2):

Fulgent Genetics
Classification: Uncertain significance for Autosomal recessive nonsyndromic hearing loss 49. Last evaluated: 2021-07-15. Review status: criteria provided, single submitter. Criteria: ACMG Guidelines, 2015. Collection method: clinical testing. Allele origin: unknown.

Laboratory for Molecular Medicine, Mass General Brigham Personalized Medicine
Classification: Uncertain significance. Last evaluated: 2014-07-09. Review status: criteria provided, single submitter. Criteria: LMM Criteria. Collection method: clinical testing. Allele origin: germline. Observed: 1 variant allele.
Comment: Variant classified as Uncertain Significance - Favor Benign. The Asp487Glu varia nt in MARVELD2 has not been previously reported in individuals with hearing loss and was absent from large population studies. The aspartic acid (Asp) at positi on 487 is not well conserved in mammals or evolutionary distant species, raising the possibility that a change at this position may be tolerated. Of note, the tree shrew and several species of fish carry a glutamic acid (Glu) at this posit ion. Additional computational prediction tools suggest that this variant may not impact the protein, though this information is not predictive enough to rule ou t pathogenicity. In summary, while the clinical significance of the Asp487Glu va riant is uncertain, these data suggest that is more likely to be benign.

NM_001038603.3(MARVELD2):c.1461T>G (p.Asp487Glu)

Gene: MARVELD2 (MARVEL domain containing 2; plus strand). Cytogenetic location: 5q13.2.
Variant type: single nucleotide variant.
Coding change: c.1461T>G on transcript NM_001038603.3 (MANE Select); coding-DNA position 1461, T replaced by G.
Protein change: p.Asp487Glu; replaces aspartic acid 487 with glutamic acid.
Molecular consequence: missense variant.
Genome position (GRCh38, 1-based): chr5:69,433,051, T>G. VCF-style: chr5-69433051-T-G. GRCh37 (hg19) VCF-style: chr5-68728878-T-G.
Other names: c.1425T>G, p.Asp475Glu (NM_001244734.2); short protein forms D487E, D475E.
Identifiers: ClinVar variation 163974 (VCV000163974.5), dbSNP rs727503161, ClinGen allele CA176727.